The following is an entry in ClinVar:

NM_002691.4(POLD1):c.2163G>A (p.Thr721=)

Gene: POLD1 (DNA polymerase delta 1, catalytic subunit; plus strand). Cytogenetic location: 19q13.33.
Variant type: single nucleotide variant.
Coding change: c.2163G>A on transcript NM_002691.4 (MANE Select); coding-DNA position 2163, G replaced by A.
Protein change: p.Thr721=; no amino-acid change (threonine 721 retained).
Molecular consequence: synonymous variant. On other transcripts: non-coding transcript variant (1).
Genome position (GRCh38, 1-based): chr19:50,413,434, G>A. VCF-style: chr19-50413434-G-A. GRCh37 (hg19) VCF-style: chr19-50916691-G-A.
Other names: c.2163G>A, p.Thr721= (NM_001256849.1); c.2241G>A, p.Thr747= (NM_001308632.1).
Identifiers: ClinVar variation 239274 (VCV000239274.46), dbSNP rs763876339, ClinGen allele CA9596434.

ClinVar aggregate classification (germline): Benign/Likely benign. Review status: criteria provided, multiple submitters, no conflicts (2 of 4 stars). 9 submissions from 9 submitters: Benign (1); Likely benign (8). Last evaluated 2026-02-01.

Conditions:
Hereditary cancer-predisposing syndrome. Also called: Tumor predisposition; Hereditary Cancer Syndrome; Neoplastic Syndromes, Hereditary; Hereditary neoplastic syndrome. Identifiers: Orphanet 140162, MedGen C0027672, MeSH D009386, MONDO:0015356.
Mandibular hypoplasia-deafness-progeroid syndrome. Also called: Mandibular hypoplasia, deafness, progeroid features, and lipodystrophy syndrome. Identifiers: Orphanet 363649, MedGen C3715192, MONDO:0014157, OMIM 615381.
Immunodeficiency 120. Identifiers: MedGen C5935622, MONDO:0970994, OMIM 620836.
POLD1-related polyposis and colorectal cancer syndrome (CRCS10). Also called: Colorectal cancer 10; COLORECTAL CANCER, SUSCEPTIBILITY TO, ON CHROMOSOME 19q; Colorectal cancer, susceptibility to, 10. Identifiers: Orphanet 220460, MedGen C2675481, MONDO:0012953, OMIM 612591.

Allele frequency attached by ClinVar (database versions not stated): gnomAD 0.00001; ExAC 0.00002; gnomAD exomes 0.00003; TOPMed 0.00006.
gnomAD v4.1: 45 of 1,612,930 alleles (0.0028%); highest among the groups gnomAD compares: East Asian, 0.04%; no homozygotes.

Submissions (9):

Labcorp Genetics (formerly Invitae), Labcorp
Classification: Likely benign for POLD1-related polyposis and colorectal cancer syndrome. Last evaluated: 2026-02-01. Review status: criteria provided, single submitter. Criteria: Invitae Variant Classification Sherloc (09022015). Collection method: clinical testing. Allele origin: germline.

Department of Pathology and Laboratory Medicine, Sinai Health System
Classification: Likely benign for POLD1-related polyposis and colorectal cancer syndrome; Mandibular hypoplasia-deafness-progeroid syndrome; Immunodeficiency 120. Last evaluated: 2024-12-27. Review status: criteria provided, single submitter. Criteria: ACMG Guidelines, 2015. Collection method: clinical testing. Allele origin: germline.

Blueprint Genetics
Classification: Likely benign. Last evaluated: 2024-10-18. Review status: criteria provided, single submitter. Criteria: ACMG Guidelines, 2015. Collection method: clinical testing. Allele origin: germline.

CeGaT Center for Human Genetics Tuebingen
Classification: Likely benign. Last evaluated: 2023-08-01. Review status: criteria provided, single submitter. Criteria: CeGaT Center For Human Genetics Tuebingen Variant Classification Criteria Version 2. Collection method: clinical testing. Allele origin: germline. Affected: yes. Observed: 1 variant allele.
Comment: POLD1: BP4, BP7

Sema4
Classification: Likely benign for Hereditary cancer-predisposing syndrome. Last evaluated: 2021-05-19. Review status: criteria provided, single submitter. Criteria: Sema4 Curation Guidelines. Collection method: curation. Allele origin: germline.

Quest Diagnostics Nichols Institute San Juan Capistrano
Classification: Benign. Last evaluated: 2018-08-09. Review status: criteria provided, single submitter. Criteria: Quest Diagnostics criteria. Collection method: clinical testing. Allele origin: germline.

GeneDx
Classification: Likely benign. Last evaluated: 2018-02-02. Review status: criteria provided, single submitter. Criteria: GeneDx Variant Classification (06012015). Collection method: clinical testing. Allele origin: germline. Affected: yes.
Comment: This variant is considered likely benign or benign based on one or more of the following criteria: it is a conservative change, it occurs at a poorly conserved position in the protein, it is predicted to be benign by multiple in silico algorithms, and/or has population frequency not consistent with disease.

PreventionGenetics, part of Exact Sciences
Classification: Likely benign. Last evaluated: 2017-04-21. Review status: criteria provided, single submitter. Criteria: ACMG Guidelines, 2015. Collection method: clinical testing. Allele origin: germline.

Ambry Genetics
Classification: Likely benign for Hereditary cancer-predisposing syndrome. Last evaluated: 2015-10-03. Review status: criteria provided, single submitter. Criteria: Ambry Variant Classification Scheme 2023. Collection method: clinical testing. Allele origin: germline.